The following is an entry in ClinVar:

ClinVar aggregate classification (germline): Pathogenic (1 of 4 stars; one submission).

Conditions:
Nephronophthisis 18 (NPHP18). Identifiers: Orphanet 655, MedGen C3890591, MONDO:0014374, OMIM 615862.

Allele frequency attached by ClinVar (database versions not stated): ExAC 0.00001; gnomAD 0.00001; gnomAD exomes 0.00001; TOPMed 0.00002.
gnomAD v4.1: 8 of 1,613,256 alleles (0.0005%); highest among the groups gnomAD compares: Non-Finnish European, 0.00068%; no homozygotes.

Submission:

Labcorp Genetics (formerly Invitae), Labcorp
Classification: Pathogenic for Nephronophthisis 18. Last evaluated: 2021-11-23. Review status: criteria provided, single submitter. Criteria: Invitae Variant Classification Sherloc (09022015). Collection method: clinical testing. Allele origin: germline.
Comment: This variant has not been reported in the literature in individuals affected with CEP83-related conditions. For these reasons, this variant has been classified as Pathogenic. This variant is present in population databases (rs777412559, gnomAD 0.01%). This sequence change creates a premature translational stop signal (p.Ser484*) in the CEP83 gene. It is expected to result in an absent or disrupted protein product. Loss-of-function variants in CEP83 are known to be pathogenic (PMID: 23530209, 24882706).

Literature cited by the submitters: PubMed 23530209; PubMed 24882706.

NM_016122.3(CEP83):c.1451C>A (p.Ser484Ter)

Gene: CEP83 (centrosomal protein 83; minus strand). Cytogenetic location: 12q22.
Variant type: single nucleotide variant.
Coding change: c.1451C>A on transcript NM_016122.3 (MANE Select); coding-DNA position 1451, C replaced by A.
Protein change: p.Ser484Ter; replaces serine 484 with a stop codon.
Molecular consequence: nonsense. On other transcripts: non-coding transcript variant (2).
Genome position (GRCh38, 1-based): chr12:94,333,608, G>T on the plus strand (C>A on the coding strand, the complement: CEP83 is on the minus strand). VCF-style: chr12-94333608-G-T. GRCh37 (hg19) VCF-style: chr12-94727384-G-T.
Other names: c.1451C>A, p.Ser484Ter (NM_001042399.2, NM_001346457.2, NM_001368037.1 and 1 more transcripts); c.1139C>A, p.Ser380Ter (NM_001346458.2, NM_001346459.2, NM_001368039.1 and 1 more transcripts); c.1226C>A, p.Ser409Ter (NM_001368041.1); short protein forms S380*, S484*, S409*.
Identifiers: ClinVar variation 1399996 (VCV001399996.6), dbSNP rs777412559, ClinGen allele CA6721630.
Genomic context (GRCh38, chr12:94,333,608, plus strand): 5'-TCCACCATTTCCTTCAGCATTTGGTTTGAATTCAGCAAGTCATTCTCTGACTGTGCAAGT[G>T]AAGTCACTTGGATCTGCAAACTACTGATTTGCTTAAAAGAGAAGAAAGAAGATAAATTAA-3'